The following is an entry in ClinVar:

ClinVar aggregate classification (germline): Uncertain significance (1 of 4 stars; one submission).

Submission:

Ambry Genetics
Classification: Uncertain significance. Last evaluated: 2024-05-27. Review status: criteria provided, single submitter. Criteria: Ambry Variant Classification Scheme 2023. Collection method: clinical testing. Allele origin: germline.
Comment: The p.L537F variant (also known as c.1609C>T), located in coding exon 9 of the PKP4 gene, results from a C to T substitution at nucleotide position 1609. The leucine at codon 537 is replaced by phenylalanine, an amino acid with highly similar properties. This amino acid position is conserved. In addition, this alteration is predicted to be deleterious by in silico analysis. Based on the available evidence, the clinical significance of this variant remains unclear.

NM_003628.6(PKP4):c.1609C>T (p.Leu537Phe)

Gene: PKP4 (plakophilin 4; plus strand). Cytogenetic location: 2q24.1.
Variant type: single nucleotide variant.
Coding change: c.1609C>T on transcript NM_003628.6 (MANE Select); coding-DNA position 1609, C replaced by T.
Protein change: p.Leu537Phe; replaces leucine 537 with phenylalanine.
Molecular consequence: missense variant.
Genome position (GRCh38, 1-based): chr2:158,640,673, C>T. VCF-style: chr2-158640673-C-T. GRCh37 (hg19) VCF-style: chr2-159497185-C-T.
Other names: c.1609C>T, p.Leu537Phe (NM_001005476.4, NM_001304971.2, NM_001377218.1 and 1 more transcripts); c.1606C>T, p.Leu536Phe (NM_001304969.3, NM_001377219.1, NM_001377220.1 and 2 more transcripts); c.580C>T, p.Leu194Phe (NM_001304970.3); c.1603C>T, p.Leu535Phe (NM_001377222.1, NM_001377223.1); c.1600C>T, p.Leu534Phe (NM_001377224.1); short protein forms L537F, L535F, L194F, L534F, L536F.
Identifiers: ClinVar variation 3307138 (VCV003307138.1).